The following is an entry in ClinVar:

ClinVar aggregate classification (germline): Uncertain significance (1 of 4 stars; one submission).

Conditions:
Cystic fibrosis (CF). Also called: MUCOVISCIDOSIS. Identifiers: Orphanet 586, MedGen C0010674, MONDO:0009061, OMIM 219700. Disease mechanism: loss of function.

gnomAD v4.1: 1 of 1,613,402 alleles (0.000062%); no homozygotes.

Submission:

Labcorp Genetics (formerly Invitae), Labcorp
Classification: Uncertain significance for Cystic fibrosis. Last evaluated: 2023-05-24. Review status: criteria provided, single submitter. Criteria: Invitae Variant Classification Sherloc (09022015). Collection method: clinical testing. Allele origin: germline.
Comment: In summary, the available evidence is currently insufficient to determine the role of this variant in disease. Therefore, it has been classified as a Variant of Uncertain Significance. Advanced modeling of protein sequence and biophysical properties (such as structural, functional, and spatial information, amino acid conservation, physicochemical variation, residue mobility, and thermodynamic stability) performed at Invitae indicates that this missense variant is expected to disrupt CFTR protein function. This variant has not been reported in the literature in individuals affected with CFTR-related conditions. This variant is present in population databases (no rsID available, gnomAD 0.0009%). This sequence change replaces arginine, which is basic and polar, with proline, which is neutral and non-polar, at codon 1097 of the CFTR protein (p.Arg1097Pro).

NM_000492.4(CFTR):c.3290G>C (p.Arg1097Pro)

Genes: CFTR (CF transmembrane conductance regulator; plus strand), CFTR-AS2 (CFTR antisense RNA 2; minus strand), LOC111674472 (DNase I hypersensitive sites in introns 16 and 17a of CFTR; plus strand). Cytogenetic location: 7q31.2.
Variant type: single nucleotide variant.
Coding change: c.3290G>C on transcript NM_000492.4 (MANE Select); coding-DNA position 3290, G replaced by C.
Protein change: p.Arg1097Pro; replaces arginine 1097 with proline.
Molecular consequence: missense variant.
Genome position (GRCh38, 1-based): chr7:117,611,731, G>C. VCF-style: chr7-117611731-G-C. GRCh37 (hg19) VCF-style: chr7-117251785-G-C.
Other names: short protein forms R1097P.
Identifiers: ClinVar variation 2856759 (VCV002856759.3), dbSNP rs756579825, ClinGen allele CA368992400.